The following is an entry in ClinVar:

NM_002067.5(GNA11):c.907C>G (p.Gln303Glu)

Gene: GNA11 (G protein subunit alpha 11; plus strand). Cytogenetic location: 19p13.3.
Variant type: single nucleotide variant.
Coding change: c.907C>G on transcript NM_002067.5 (MANE Select); coding-DNA position 907, C replaced by G.
Protein change: p.Gln303Glu; replaces glutamine 303 with glutamic acid.
Molecular consequence: missense variant.
Genome position (GRCh38, 1-based): chr19:3,121,006, C>G. VCF-style: chr19-3121006-C-G. GRCh37 (hg19) VCF-style: chr19-3121004-C-G.
Other names: short protein forms Q303E.
Identifiers: ClinVar variation 1497217 (VCV001497217.8), dbSNP rs1914058249, ClinGen allele CA403312018.
Genomic context (GRCh38, chr19:3,121,006, plus strand): 5'-TGGGCCGGGCTGGGGCACAGCCTCACCCTCTGCCCTCCCCCAGGTCCCCAGCGGGACGCC[C>G]AGGCGGCGCGGGAGTTCATCCTGAAGATGTTCGTGGACCTGAACCCCGACAGCGACAAGA-3'
Protein context (NP_002058.2, residues 293-313): PEFDGPQRDA[Gln303Glu]AAREFILKMF

ClinVar aggregate classification (germline): Uncertain significance (1 of 4 stars; one submission).

Submission:

Labcorp Genetics (formerly Invitae), Labcorp
Classification: Uncertain significance. Last evaluated: 2020-12-24. Review status: criteria provided, single submitter. Criteria: Invitae Variant Classification Sherloc (09022015). Collection method: clinical testing. Allele origin: germline.
Comment: This sequence change replaces glutamine with glutamic acid at codon 303 of the GNA11 protein (p.Gln303Glu). The glutamine residue is moderately conserved and there is a small physicochemical difference between glutamine and glutamic acid. This variant is not present in population databases (ExAC no frequency). This variant has not been reported in the literature in individuals with GNA11-related conditions. Algorithms developed to predict the effect of missense changes on protein structure and function (SIFT, PolyPhen-2, Align-GVGD) all suggest that this variant is likely to be tolerated, but these predictions have not been confirmed by published functional studies and their clinical significance is uncertain. In summary, the available evidence is currently insufficient to determine the role of this variant in disease. Therefore, it has been classified as a Variant of Uncertain Significance.